The following is an entry in ClinVar:

NM_000487.6(ARSA):c.1283dup (p.Leu429fs)

Gene: ARSA (arylsulfatase A; minus strand). Cytogenetic location: 22q13.33.
Variant type: Duplication.
Coding change: c.1283dup on transcript NM_000487.6 (MANE Select); coding-DNA position 1283, one base duplicated (C; older notation c.1283dupC).
Protein change: p.Leu429fs; shifts the reading frame from leucine 429.
Molecular consequence: frameshift variant.
Genome position (GRCh38, 1-based): chr22:50,625,392, G duplicated on the plus strand (C on the coding strand, the reverse complement: ARSA is on the minus strand); the first of 5 consecutive G bases (chr22:50,625,392-50,625,396); duplicating any one gives the same sequence. VCF-style (leftmost placement, unchanged base first): chr22-50625391-C-CG. GRCh37 (hg19) VCF-style: chr22-51063819-C-CG.
Other names: c.1283dup, p.Leu429fs (NM_001085427.3, NM_001085425.3, NM_001085426.3); c.1025dup, p.Leu343fs (NM_001085428.3, NM_001362782.2); short protein forms L343fs, L429fs.
Identifiers: ClinVar variation 4818440 (VCV004818440.1).

ClinVar aggregate classification (germline): Likely pathogenic (1 of 4 stars; one submission).

Conditions:
Metachromatic leukodystrophy (MLD). Also called: ARSA DEFICIENCY; CEREBROSIDE SULFATASE DEFICIENCY; Arylsulfatase A Deficiency; METACHROMATIC LEUKOENCEPHALOPATHY; SULFATIDE LIPIDOSIS; Cerebral sclerosis diffuse metachromatic form. Identifiers: Orphanet 512, MedGen C0023522, MONDO:0018868, OMIM 250100.

Submission:

Natera, Inc.
Classification: Likely pathogenic for Metachromatic leukodystrophy. Last evaluated: 2026-01-21. Review status: criteria provided, single submitter. Criteria: Natera Variant Classification Schema (03/2026). Collection method: clinical testing. Allele origin: germline.
Comment: The c.1283dup variant in ARSA is a frameshift variant predicted to shift the reading frame beginning at codon 429 and leads to a stop codon 4 codons downstream. This variant is expected to result in nonsense mediated decay, truncation, or a dysfunctional protein product. This variant is rare in the general population with a frequency below the threshold expected for the associated phenotype(s). Given the available evidence, this variant is classified as Likely Pathogenic.